The following is an entry in ClinVar:

ClinVar aggregate classification (germline): Likely benign (1 of 4 stars; one submission).

Submission:

CeGaT Center for Human Genetics Tuebingen
Classification: Likely benign. Last evaluated: 2024-11-01. Review status: criteria provided, single submitter. Criteria: CeGaT Center For Human Genetics Tuebingen Variant Classification Criteria Version 2. Collection method: clinical testing. Allele origin: germline. Affected: yes. Observed: 1 variant allele.
Comment: TCHH: BP4, BP7

NM_007113.4(TCHH):c.1881A>G (p.Glu627=)

Gene: TCHH (trichohyalin; minus strand). Cytogenetic location: 1q21.3.
Variant type: single nucleotide variant.
Coding change: c.1881A>G on transcript NM_007113.4 (MANE Select); coding-DNA position 1881, A replaced by G.
Protein change: p.Glu627=; no amino-acid change (glutamic acid 627 retained).
Molecular consequence: synonymous variant.
Genome position (GRCh38, 1-based): chr1:152,111,336, T>C on the plus strand (A>G on the coding strand, the complement: TCHH is on the minus strand). VCF-style: chr1-152111336-T-C. GRCh37 (hg19) VCF-style: chr1-152083812-T-C.
Identifiers: ClinVar variation 3387869 (VCV003387869.14).